The following is an entry in ClinVar:

ClinVar aggregate classification (germline): Uncertain significance. Review status: criteria provided, single submitter (1 of 4 stars). 2 submissions from 2 submitters: Uncertain significance (1). 1 of the submissions does not count toward it. Last evaluated 2022-05-03.

Conditions:
SERPINF1-related disorder. Also called: SERPINF1-related condition.

Allele frequency attached by ClinVar (database versions not stated): ExAC 0.00009; gnomAD exomes 0.00006; 1000 Genomes Project 30x 0.00016; 1000 Genomes Project 0.00020; ESP Exome Variant Server 0.00038.
gnomAD v4.1: 76 of 1,613,252 alleles (0.0047%); highest among the groups gnomAD compares: African/African-American, 0.083%; no homozygotes.

Submissions (2):

Labcorp Genetics (formerly Invitae), Labcorp
Classification: Uncertain significance. Last evaluated: 2022-05-03. Review status: criteria provided, single submitter. Criteria: Invitae Variant Classification Sherloc (09022015). Collection method: clinical testing. Allele origin: germline.
Comment: This sequence change affects codon 146 of the SERPINF1 mRNA. It is a 'silent' change, meaning that it does not change the encoded amino acid sequence of the SERPINF1 protein. It affects a nucleotide within the consensus splice site. This variant is present in population databases (rs141155058, gnomAD 0.06%). This variant has not been reported in the literature in individuals affected with SERPINF1-related conditions. Algorithms developed to predict the effect of sequence changes on RNA splicing suggest that this variant is not likely to affect RNA splicing. In summary, the available evidence is currently insufficient to determine the role of this variant in disease. Therefore, it has been classified as a Variant of Uncertain Significance.

PreventionGenetics, part of Exact Sciences
Classification: Likely benign for SERPINF1-related condition. Last evaluated: 2024-03-12. Review status: no assertion criteria provided. Collection method: clinical testing. Allele origin: germline. Not counted in ClinVar's aggregate classification.
Comment: This variant is classified as likely benign based on ACMG/AMP sequence variant interpretation guidelines (Richards et al. 2015 PMID: 25741868, with internal and published modifications).

NM_002615.7(SERPINF1):c.438G>A (p.Lys146=)

Gene: SERPINF1 (serpin family F member 1; plus strand). Cytogenetic location: 17p13.3.
Variant type: single nucleotide variant.
Coding change: c.438G>A on transcript NM_002615.7 (MANE Select); coding-DNA position 438, G replaced by A.
Protein change: p.Lys146=; no amino-acid change (lysine 146 retained).
Molecular consequence: synonymous variant. On other transcripts: 5 prime UTR variant (1).
Genome position (GRCh38, 1-based): chr17:1,771,183, G>A. VCF-style: chr17-1771183-G-A. GRCh37 (hg19) VCF-style: chr17-1674477-G-A.
Other names: c.438G>A, p.Lys146= (NM_001329903.2); c.-124G>A (NM_001329904.2); c.438G>A (NM_002615.6).
Identifiers: ClinVar variation 1412111 (VCV001412111.6), dbSNP rs141155058, ClinGen allele CA8274678.